The following is an entry in ClinVar:

NM_181741.4(ORC4):c.762+1G>C

Gene: ORC4 (origin recognition complex subunit 4; minus strand). Cytogenetic location: 2q23.1.
Variant type: single nucleotide variant.
Coding change: c.762+1G>C on transcript NM_181741.4 (MANE Select); the canonical splice donor site of the intron after coding-DNA position 762, G replaced by C.
Molecular consequence: splice donor variant.
Genome position (GRCh38, 1-based): chr2:147,948,050, C>G on the plus strand (G>C on the coding strand, the complement: ORC4 is on the minus strand). VCF-style: chr2-147948050-C-G. GRCh37 (hg19) VCF-style: chr2-148705619-C-G.
Other names: c.762+1G>C (NM_181742.4, NM_001190879.3, NM_002552.5 and 1 more transcripts); c.510+1G>C (NM_001190881.3, NM_001374272.1); c.540+1G>C (NM_001190882.3).
Identifiers: ClinVar variation 5006080 (VCV005006080.2).
Genomic context (GRCh38, chr2:147,948,050, plus strand): 5'-TGTTTTAATTGCTTTAAATCATATAGCAAGGAACATTTAGCTTTATTGCCTTTTAAGATA[C>G]CTGAACATTTTCATTCCACTTCTCAGCAAAAACCTTGTCTGGAAACTCTGCAGGTAGAGA-3'

ClinVar aggregate classification (germline): Uncertain significance (1 of 4 stars; one submission).

Conditions:
Meier-Gorlin syndrome 2 (MGORS2). Identifiers: Orphanet 2554, MedGen C3151097, MONDO:0013428, OMIM 613800.

gnomAD v4.1: 1 of 1,608,688 alleles (0.000062%); highest among the groups gnomAD compares: East Asian, 0.0022%; no homozygotes.

Submission:

Juno Genomics, Hangzhou Juno Genomics, Inc
Classification: Uncertain significance for Meier-Gorlin syndrome 2. Review status: criteria provided, single submitter. Criteria: ACMG Guidelines, 2015. Collection method: clinical testing. Allele origin: germline.
Comment: Null variant in a gene where loss of function (LOF) is a known mechanism of disease.;Absent from controls (or at extremely low frequency if recessive) in Genome Aggregation Database.